The following is an entry in ClinVar:

ClinVar aggregate classification (germline): Conflicting classifications of pathogenicity. Review status: criteria provided, conflicting classifications (1 of 4 stars). 4 submissions from 4 submitters: Pathogenic (2); Uncertain significance (1). 1 of the submissions does not count toward it. Last evaluated 2022-04-26.

Conditions:
Microcephaly 16, primary, autosomal recessive (MCPH16). Identifiers: Orphanet 2512, MedGen C4225249, MONDO:0014730, OMIM 616681.
Microcephaly. Also called: Microcephaly (disease). Identifiers: MedGen C4551563, MONDO:0001149, HP:0000252.

Allele frequency attached by ClinVar (database versions not stated): ExAC 0.00005; gnomAD exomes 0.00006; 1000 Genomes Project 30x 0.00016; 1000 Genomes Project 0.00020; gnomAD 0.00001 and 0.00002; TOPMed 0.00004.
gnomAD v4.1: 20 of 1,613,244 alleles (0.0012%); highest among the groups gnomAD compares: Admixed American, 0.027%; no homozygotes.

Submissions (4):

GeneDx
Classification: Uncertain significance. Last evaluated: 2022-04-26. Review status: criteria provided, single submitter. Criteria: GeneDx Variant Classification Process June 2021. Collection method: clinical testing. Allele origin: germline. Affected: yes.
Comment: Nonsense variant predicted to result in protein truncation or nonsense mediated decay in a gene or region of a gene for which loss of function is not a well-established mechanism of disease; This variant is associated with the following publications: (PMID: 31735666, 30086807, 25259927)

CeGaT Center for Human Genetics Tuebingen
Classification: Pathogenic. Last evaluated: 2017-11-01. Review status: criteria provided, single submitter. Criteria: CeGaT Center For Human Genetics Tuebingen Variant Classification Criteria Version 2. Collection method: clinical testing. Allele origin: germline. Affected: yes. Observed: 1 variant allele.

Lupski Lab, Baylor-Hopkins CMG, Baylor College of Medicine
Classification: Pathogenic for Microcephaly. Last evaluated: 2014-09-25. Review status: criteria provided, single submitter. Criteria: Yamamoto et al. (Cell 2014). Collection method: research. Allele origin: maternal. Inheritance: Autosomal recessive inheritance. Affected: yes and no. Observed: 3 variant alleles, 1 heterozygote, 2 compound heterozygotes.
Comment: Overexpression of human cDNA carring this variant does not rescue mutant fly

This pathogenic variant was found in trans with likely pathogenic variant c.1717C>G in two individuals with microcephaly.

OMIM
Classification: Pathogenic for MICROCEPHALY 16, PRIMARY, AUTOSOMAL RECESSIVE. Last evaluated: 2014-09-25. Review status: no assertion criteria provided. Collection method: literature only. Allele origin: germline. Not counted in ClinVar's aggregate classification.

Literature cited by the submitters: PubMed 25259927 (cited by OMIM).

NM_015114.3(ANKLE2):c.2344C>T (p.Gln782Ter)

Gene: ANKLE2 (ankyrin repeat and LEM domain containing 2; minus strand). Cytogenetic location: 12q24.33.
Variant type: single nucleotide variant.
Coding change: c.2344C>T on transcript NM_015114.3 (MANE Select); coding-DNA position 2344, C replaced by T.
Protein change: p.Gln782Ter; replaces glutamine 782 with a stop codon.
Molecular consequence: nonsense.
Genome position (GRCh38, 1-based): chr12:132,729,818, G>A on the plus strand (C>T on the coding strand, the complement: ANKLE2 is on the minus strand). VCF-style: chr12-132729818-G-A. GRCh37 (hg19) VCF-style: chr12-133306404-G-A.
Other names: short protein forms Q782*.
Identifiers: ClinVar variation 218245 (VCV000218245.46), dbSNP rs201785518, ClinGen allele CA215060.